The following is an entry in ClinVar:

NM_001365276.2(TNXB):c.6715C>T (p.Arg2239Trp)

Gene: TNXB (tenascin XB; minus strand). Cytogenetic location: 6p21.33.
Variant type: single nucleotide variant.
Coding change: c.6715C>T on transcript NM_001365276.2 (MANE Select); coding-DNA position 6715, C replaced by T.
Protein change: p.Arg2239Trp; replaces arginine 2239 with tryptophan.
Molecular consequence: missense variant.
Genome position (GRCh38, 1-based): chr6:32,064,947, G>A on the plus strand (C>T on the coding strand, the complement: TNXB is on the minus strand). VCF-style: chr6-32064947-G-A. GRCh37 (hg19) VCF-style: chr6-32032724-G-A.
Other names: c.6715C>T, p.Arg2239Trp (NM_019105.8); short protein forms R2239W.
Identifiers: ClinVar variation 1755063 (VCV001755063.5), dbSNP rs531109815, ClinGen allele CA3734351.
Genomic context (GRCh38, chr6:32,064,947, plus strand): 5'-TGTACTTGTGGTCTGGCTCCAGGCCCGAGATGGTGACCCCATCCTCGTGTCCCGGCACCC[G>A]CACCGCCTTGGGCTGCCCGTCCCCATTCTTAAACTGGACCAAGAAATGGTCAAACTGGCC-3'
Protein context (NP_001352205.1, residues 2229-2249): KNGDGQPKAV[Arg2239Trp]VPGHEDGVTI

ClinVar aggregate classification (germline): Uncertain significance. Review status: criteria provided, multiple submitters, no conflicts (2 of 4 stars). 2 submissions from 2 submitters: Uncertain significance (2). Last evaluated 2025-08-18.

Conditions:
Cardiovascular phenotype. Identifiers: MedGen CN230736.

Allele frequency attached by ClinVar (database versions not stated): ExAC 0.00003; gnomAD 0.00005; TOPMed 0.00006; 1000 Genomes Project 30x 0.00031; 1000 Genomes Project 0.00040.
gnomAD v4.1: 31 of 1,612,718 alleles (0.0019%); highest among the groups gnomAD compares: African/African-American, 0.019%; no homozygotes.

Submissions (2):

Ambry Genetics
Classification: Uncertain significance for Cardiovascular phenotype. Last evaluated: 2025-08-18. Review status: criteria provided, single submitter. Criteria: Ambry Variant Classification Scheme 2023. Collection method: clinical testing. Allele origin: germline.
Comment: The p.R2239W variant (also known as c.6715C>T), located in coding exon 18 of the TNXB gene, results from a C to T substitution at nucleotide position 6715. The arginine at codon 2239 is replaced by tryptophan, an amino acid with dissimilar properties. This amino acid position is well conserved in available vertebrate species. In addition, this alteration is predicted to be tolerated by in silico analysis. Based on the available evidence, the clinical significance of this variant remains unclear.

GeneDx
Classification: Uncertain significance. Last evaluated: 2024-06-07. Review status: criteria provided, single submitter. Criteria: GeneDx Variant Classification Process June 2021. Collection method: clinical testing. Allele origin: germline. Affected: yes.
Comment: Has not been previously published as pathogenic or benign to our knowledge; In silico analysis supports that this missense variant has a deleterious effect on protein structure/function